The following is an entry in ClinVar:

NM_004859.4(CLTC):c.731C>T (p.Pro244Leu)

Gene: CLTC (clathrin heavy chain; plus strand). Cytogenetic location: 17q23.1.
Variant type: single nucleotide variant.
Coding change: c.731C>T on transcript NM_004859.4 (MANE Select); coding-DNA position 731, C replaced by T.
Protein change: p.Pro244Leu; replaces proline 244 with leucine.
Molecular consequence: missense variant.
Genome position (GRCh38, 1-based): chr17:59,651,252, C>T. VCF-style: chr17-59651252-C-T. GRCh37 (hg19) VCF-style: chr17-57728613-C-T.
Other names: c.743C>T, p.Pro248Leu (NM_001288653.2); short protein forms P244L, P248L.
Identifiers: ClinVar variation 2852612 (VCV002852612.3), dbSNP rs2032321532, ClinGen allele CA400422239.

ClinVar aggregate classification (germline): Uncertain significance (1 of 4 stars; one submission).

Allele frequency attached by ClinVar (database versions not stated): gnomAD exomes below 0.00001; TOPMed below 0.00001.
gnomAD v4.1: 2 of 1,613,960 alleles (0.00012%); highest among the groups gnomAD compares: Non-Finnish European, 0.00017%; no homozygotes.

Submission:

Labcorp Genetics (formerly Invitae), Labcorp
Classification: Uncertain significance. Last evaluated: 2024-01-07. Review status: criteria provided, single submitter. Criteria: Invitae Variant Classification Sherloc (09022015). Collection method: clinical testing. Allele origin: germline.
Comment: This sequence change replaces proline, which is neutral and non-polar, with leucine, which is neutral and non-polar, at codon 248 of the CLTC protein (p.Pro248Leu). This variant is not present in population databases (gnomAD no frequency). This variant has not been reported in the literature in individuals affected with CLTC-related conditions. Advanced modeling of protein sequence and biophysical properties (such as structural, functional, and spatial information, amino acid conservation, physicochemical variation, residue mobility, and thermodynamic stability) performed at Invitae indicates that this missense variant is not expected to disrupt CLTC protein function with a negative predictive value of 80%. In summary, the available evidence is currently insufficient to determine the role of this variant in disease. Therefore, it has been classified as a Variant of Uncertain Significance.